The following is an entry in ClinVar:

ClinVar aggregate classification (germline): Likely benign. Review status: criteria provided, single submitter (1 of 4 stars). 2 submissions from 2 submitters: Likely benign (1). 1 of the submissions does not count toward it. Last evaluated 2025-03-18.

Conditions:
Holoprosencephaly 11 (HPE11). Identifiers: Orphanet 2162, MedGen C3280215, MONDO:0013642, OMIM 614226.
CDON-related disorder. Also called: CDON-related condition.

Allele frequency attached by ClinVar (database versions not stated): gnomAD exomes 0.00010; ExAC 0.00012; 1000 Genomes Project 30x 0.00016; 1000 Genomes Project 0.00020; ESP Exome Variant Server 0.00023; gnomAD 0.00027 and 0.00028; TOPMed 0.00033.
gnomAD v4.1: 291 of 1,614,048 alleles (0.018%); highest among the groups gnomAD compares: African/African-American, 0.099%; no homozygotes.

Submissions (2):

Labcorp Genetics (formerly Invitae), Labcorp
Classification: Likely benign for Holoprosencephaly 11. Last evaluated: 2025-03-18. Review status: criteria provided, single submitter. Criteria: Invitae Variant Classification Sherloc (09022015). Collection method: clinical testing. Allele origin: germline.

PreventionGenetics, part of Exact Sciences
Classification: Likely benign for CDON-related condition. Last evaluated: 2019-08-14. Review status: no assertion criteria provided. Collection method: clinical testing. Allele origin: germline. Not counted in ClinVar's aggregate classification.
Comment: This variant is classified as likely benign based on ACMG/AMP sequence variant interpretation guidelines (Richards et al. 2015 PMID: 25741868, with internal and published modifications).

NM_001378964.1(CDON):c.1089C>T (p.Asn363=)

Gene: CDON (cell adhesion associated, oncogene regulated; minus strand). Cytogenetic location: 11q24.2.
Variant type: single nucleotide variant.
Coding change: c.1089C>T on transcript NM_001378964.1 (MANE Select); coding-DNA position 1089, C replaced by T.
Protein change: p.Asn363=; no amino-acid change (asparagine 363 retained).
Molecular consequence: synonymous variant.
Genome position (GRCh38, 1-based): chr11:126,015,350, G>A on the plus strand (C>T on the coding strand, the complement: CDON is on the minus strand). VCF-style: chr11-126015350-G-A. GRCh37 (hg19) VCF-style: chr11-125885245-G-A.
Other names: c.1089C>T, p.Asn363= (NM_001243597.3, NM_016952.6).
Identifiers: ClinVar variation 703219 (VCV000703219.10), dbSNP rs141744145, ClinGen allele CA6352164.